The following is an entry in ClinVar:

NM_001710.6(CFB):c.2146G>C (p.Val716Leu)

Gene: CFB (complement factor B; plus strand). Cytogenetic location: 6p21.33.
Variant type: single nucleotide variant.
Coding change: c.2146G>C on transcript NM_001710.6 (MANE Select); coding-DNA position 2146, G replaced by C.
Protein change: p.Val716Leu; replaces valine 716 with leucine.
Molecular consequence: missense variant.
Genome position (GRCh38, 1-based): chr6:31,951,881, G>C. VCF-style: chr6-31951881-G-C. GRCh37 (hg19) VCF-style: chr6-31919658-G-C.
Other names: short protein forms V716L.
Identifiers: ClinVar variation 1960706 (VCV001960706.7), dbSNP rs777891193, ClinGen allele CA363414111.
Genomic context (GRCh38, chr6:31,951,881, plus strand): 5'-TTCCAGGATTAGGAATTCTACTGAATGATCCATGGCACCCCACTGCCTCTGCAGGTTGGT[G>C]TAATCAGCTGGGGAGTAGTGGATGTCTGCAAAAACCAGAAGCGGCAAAAGCAGGTACCTG-3'
Protein context (NP_001701.2, residues 706-726): HKRSRFIQVG[Val716Leu]ISWGVVDVCK

ClinVar aggregate classification (germline): Uncertain significance. Review status: criteria provided, multiple submitters, no conflicts (2 of 4 stars). 2 submissions from 2 submitters: Uncertain significance (2). Last evaluated 2025-05-18.

Conditions:
Inborn genetic diseases. Identifiers: MedGen C0950123, MeSH D030342.

Submissions (2):

Ambry Genetics
Classification: Uncertain significance for Inborn genetic diseases. Last evaluated: 2025-05-18. Review status: criteria provided, single submitter. Criteria: Ambry Variant Classification Scheme 2023. Collection method: clinical testing. Allele origin: germline.

Labcorp Genetics (formerly Invitae), Labcorp
Classification: Uncertain significance. Last evaluated: 2024-05-06. Review status: criteria provided, single submitter. Criteria: Invitae Variant Classification Sherloc (09022015). Collection method: clinical testing. Allele origin: germline.
Comment: This sequence change replaces valine, which is neutral and non-polar, with leucine, which is neutral and non-polar, at codon 716 of the CFB protein (p.Val716Leu). This variant is present in population databases (no rsID available, gnomAD 0.006%). This variant has not been reported in the literature in individuals affected with CFB-related conditions. ClinVar contains an entry for this variant (Variation ID: 1960706). Advanced modeling of protein sequence and biophysical properties (such as structural, functional, and spatial information, amino acid conservation, physicochemical variation, residue mobility, and thermodynamic stability) performed at Invitae indicates that this missense variant is not expected to disrupt CFB protein function with a negative predictive value of 80%. In summary, the available evidence is currently insufficient to determine the role of this variant in disease. Therefore, it has been classified as a Variant of Uncertain Significance.